The following is an entry in ClinVar:

NM_057093.2(CRYBA2):c.286C>T (p.Arg96Trp)

Gene: CRYBA2 (crystallin beta A2; minus strand). Cytogenetic location: 2q35.
Variant type: single nucleotide variant.
Coding change: c.286C>T on transcript NM_057093.2 (MANE Select); coding-DNA position 286, C replaced by T.
Protein change: p.Arg96Trp; replaces arginine 96 with tryptophan.
Molecular consequence: missense variant.
Genome position (GRCh38, 1-based): chr2:218,992,119, G>A on the plus strand (C>T on the coding strand, the complement: CRYBA2 is on the minus strand). VCF-style: chr2-218992119-G-A. GRCh37 (hg19) VCF-style: chr2-219856841-G-A.
Other names: c.286C>T (NM_057093.1); c.286C>T, p.Arg96Trp (NM_057094.2); short protein forms R96W.
Identifiers: ClinVar variation 1050665 (VCV001050665.4), dbSNP rs576572225, ClinGen allele CA2114488.

ClinVar aggregate classification (germline): Uncertain significance. Review status: criteria provided, single submitter (1 of 4 stars). 2 submissions from 2 submitters: Uncertain significance (1). 1 of the submissions does not count toward it. Last evaluated 2025-12-09.

Allele frequency attached by ClinVar (database versions not stated): gnomAD 0.00007 and 0.00011; ExAC 0.00011; 1000 Genomes Project 30x 0.00016; 1000 Genomes Project 0.00020; TOPMed 0.00004; gnomAD exomes 0.00009.

Submissions (2):

Ambry Genetics
Classification: Uncertain significance. Last evaluated: 2025-12-09. Review status: criteria provided, single submitter. Criteria: Ambry Variant Classification Scheme 2023. Collection method: clinical testing. Allele origin: germline.

Department of Pathology and Laboratory Medicine, Sinai Health System
Classification: Uncertain significance. Review status: no assertion criteria provided. Collection method: clinical testing. Allele origin: unknown. Affected: yes. Study: The Canadian Open Genetics Repository (COGR). Not counted in ClinVar's aggregate classification.
Comment: The CRYBA2 p.Arg96Trp variant was not identified in the literature nor was it identified in ClinVar. The variant was identified in dbSNP (ID: rs576572225). The variant was identified in control databases in 25 of 278808 chromosomes at a frequency of 0.00008967 (Genome Aggregation Database March 6, 2019, v2.1.1). The variant was observed in the following populations: South Asian in 13 of 30508 chromosomes (freq: 0.000426), African in 2 of 24836 chromosomes (freq: 0.000081), European (non-Finnish) in 9 of 125756 chromosomes (freq: 0.000072), Latino in 1 of 35312 chromosomes (freq: 0.000028), but was not observed in the Ashkenazi Jewish, East Asian, European (Finnish), or Other populations. The p.Arg96 residue is conserved across mammals and other organisms, and four out of five computational analyses (PolyPhen-2, SIFT, AlignGVGD, BLOSUM, MutationTaster) suggest that the variant may impact the protein; however, this information is not predictive enough to assume pathogenicity. The variant occurs outside of the splicing consensus sequence and in silico or computational prediction software programs (SpliceSiteFinder, MaxEntScan, NNSPLICE, GeneSplicer) do not predict a difference in splicing. In summary, based on the above information the clinical significance of this variant cannot be determined with certainty at this time. This variant is classified as a variant of uncertain significance.